The following is an entry in ClinVar:

NM_014319.5(LEMD3):c.1043A>G (p.Gln348Arg)

Gene: LEMD3 (LEM domain containing 3; plus strand). Cytogenetic location: 12q14.3.
Variant type: single nucleotide variant.
Coding change: c.1043A>G on transcript NM_014319.5 (MANE Select); coding-DNA position 1043, A replaced by G.
Protein change: p.Gln348Arg; replaces glutamine 348 with arginine.
Molecular consequence: missense variant.
Genome position (GRCh38, 1-based): chr12:65,170,639, A>G. VCF-style: chr12-65170639-A-G. GRCh37 (hg19) VCF-style: chr12-65564419-A-G.
Other names: c.1043A>G, p.Gln348Arg (NM_001167614.2); short protein forms Q348R.
Identifiers: ClinVar variation 4764374 (VCV004764374.1).

ClinVar aggregate classification (germline): Uncertain significance (1 of 4 stars; one submission).

Submission:

Labcorp Genetics (formerly Invitae), Labcorp
Classification: Uncertain significance. Last evaluated: 2025-03-12. Review status: criteria provided, single submitter. Criteria: Invitae Variant Classification Sherloc (09022015). Collection method: clinical testing. Allele origin: germline.
Comment: This sequence change replaces glutamine, which is neutral and polar, with arginine, which is basic and polar, at codon 348 of the LEMD3 protein (p.Gln348Arg). This variant is not present in population databases (gnomAD no frequency). This variant has not been reported in the literature in individuals affected with LEMD3-related conditions. Invitae Evidence Modeling of protein sequence and biophysical properties (such as structural, functional, and spatial information, amino acid conservation, physicochemical variation, residue mobility, and thermodynamic stability) indicates that this missense variant is not expected to disrupt LEMD3 protein function with a negative predictive value of 80%. In summary, the available evidence is currently insufficient to determine the role of this variant in disease. Therefore, it has been classified as a Variant of Uncertain Significance.